The following is an entry in ClinVar:

ClinVar aggregate classification (germline): Likely benign (1 of 4 stars; one submission).

Conditions:
PKD1-related disorder. Also called: PKD1-related condition.

gnomAD v4.1: 34 of 1,611,206 alleles (0.0021%); highest among the groups gnomAD compares: Non-Finnish European, 0.0027%; no homozygotes.

Submission:

PreventionGenetics, part of Exact Sciences
Classification: Likely benign for PKD1-related condition. Last evaluated: 2026-03-13. Review status: criteria provided, single submitter. Criteria: ACMG Guidelines, 2015. Collection method: clinical testing. Allele origin: germline.
Comment: This variant is classified as likely benign based on ACMG/AMP sequence variant interpretation guidelines (Richards et al. 2015 PMID: 25741868, with internal and published modifications).

NM_001009944.3(PKD1):c.12219C>A (p.Thr4073=)

Gene: PKD1 (polycystin 1, transient receptor potential channel interacting; minus strand). Cytogenetic location: 16p13.3.
Variant type: single nucleotide variant.
Coding change: c.12219C>A on transcript NM_001009944.3 (MANE Select); coding-DNA position 12219, C replaced by A.
Protein change: p.Thr4073=; no amino-acid change (threonine 4073 retained).
Molecular consequence: synonymous variant.
Genome position (GRCh38, 1-based): chr16:2,090,510, G>T on the plus strand (C>A on the coding strand, the complement: PKD1 is on the minus strand). VCF-style: chr16-2090510-G-T. GRCh37 (hg19) VCF-style: chr16-2140511-G-T.
Other names: c.12216C>A, p.Thr4072= (NM_000296.4).
Identifiers: ClinVar variation 4981241 (VCV004981241.1).